The following is an entry in ClinVar:

ClinVar aggregate classification (germline): Uncertain significance (1 of 4 stars; one submission).

Conditions:
Familial cancer of breast. Also called: Hereditary breast cancer; hereditary breast carcinoma; BREAST CANCER, FAMILIAL. Identifiers: Orphanet 227535, MedGen C0346153, MONDO:0016419, OMIM 114480. Disease mechanism: loss of function.

Submission:

Labcorp Genetics (formerly Invitae), Labcorp
Classification: Uncertain significance for Familial cancer of breast. Last evaluated: 2024-10-22. Review status: criteria provided, single submitter. Criteria: Invitae Variant Classification Sherloc (09022015). Collection method: clinical testing. Allele origin: germline.
Comment: This sequence change replaces glutamic acid, which is acidic and polar, with aspartic acid, which is acidic and polar, at codon 273 of the CHEK2 protein (p.Glu273Asp). This variant is not present in population databases (gnomAD no frequency). This variant has not been reported in the literature in individuals affected with CHEK2-related conditions. ClinVar contains an entry for this variant (Variation ID: 1025499). An algorithm developed to predict the effect of missense changes on protein structure and function (PolyPhen-2) suggests that this variant is likely to be disruptive. In summary, the available evidence is currently insufficient to determine the role of this variant in disease. Therefore, it has been classified as a Variant of Uncertain Significance.

NM_007194.4(CHEK2):c.819A>C (p.Glu273Asp)

Gene: CHEK2 (checkpoint kinase 2; minus strand). Cytogenetic location: 22q12.1.
Variant type: single nucleotide variant.
Coding change: c.819A>C on transcript NM_007194.4 (MANE Select); coding-DNA position 819, A replaced by C.
Protein change: p.Glu273Asp; replaces glutamic acid 273 with aspartic acid.
Molecular consequence: missense variant.
Genome position (GRCh38, 1-based): chr22:28,710,033, T>G on the plus strand (A>C on the coding strand, the complement: CHEK2 is on the minus strand). VCF-style: chr22-28710033-T-G. GRCh37 (hg19) VCF-style: chr22-29106021-T-G.
Other names: c.948A>C, p.Glu316Asp (NM_001005735.3); c.156A>C, p.Glu52Asp (NM_001257387.3); c.618A>C, p.Glu206Asp (NM_001349956.3); c.819A>C, p.Glu273Asp (NM_145862.3); short protein forms E206D, E273D, E316D, E52D.
Identifiers: ClinVar variation 1025499 (VCV001025499.9), dbSNP rs2053333611, ClinGen allele CA411102411.